The following is an entry in ClinVar:

ClinVar aggregate classification (germline): Uncertain significance (1 of 4 stars; one submission).

Conditions:
RYR1-related disorder. Also called: RYR1-related condition; RYR1-related disorders. Identifiers: MedGen CN239331.

Allele frequency attached by ClinVar (database versions not stated): TOPMed 0.00001.

Submission:

Labcorp Genetics (formerly Invitae), Labcorp
Classification: Uncertain significance for RYR1-related disorder. Last evaluated: 2025-08-08. Review status: criteria provided, single submitter. Criteria: Invitae Variant Classification Sherloc (09022015). Collection method: clinical testing. Allele origin: germline.
Comment: This sequence change replaces serine, which is neutral and polar, with arginine, which is basic and polar, at codon 842 of the RYR1 protein (p.Ser842Arg). This variant is not present in population databases (gnomAD no frequency). This variant has not been reported in the literature in individuals affected with RYR1-related conditions. ClinVar contains an entry for this variant (Variation ID: 2045918). Invitae Evidence Modeling of protein sequence and biophysical properties (such as structural, functional, and spatial information, amino acid conservation, physicochemical variation, residue mobility, and thermodynamic stability) indicates that this missense variant is not expected to disrupt RYR1 protein function with a negative predictive value of 95%. In summary, the available evidence is currently insufficient to determine the role of this variant in disease. Therefore, it has been classified as a Variant of Uncertain Significance.

NM_000540.3(RYR1):c.2524A>C (p.Ser842Arg)

Gene: RYR1 (ryanodine receptor 1; plus strand). Cytogenetic location: 19q13.2.
Variant type: single nucleotide variant.
Coding change: c.2524A>C on transcript NM_000540.3 (MANE Select); coding-DNA position 2524, A replaced by C.
Protein change: p.Ser842Arg; replaces serine 842 with arginine.
Molecular consequence: missense variant.
Genome position (GRCh38, 1-based): chr19:38,460,538, A>C. VCF-style: chr19-38460538-A-C. GRCh37 (hg19) VCF-style: chr19-38951178-A-C.
Other names: c.2524A>C, p.Ser842Arg (NM_001042723.2); short protein forms S842R.
Identifiers: ClinVar variation 2045918 (VCV002045918.2), dbSNP rs1447945048, ClinGen allele CA405629998.